The following is an entry in ClinVar:

NM_182758.4(WDR72):c.883G>A (p.Ala295Thr)

Gene: WDR72 (WD repeat domain 72; minus strand). Cytogenetic location: 15q21.3.
Variant type: single nucleotide variant.
Coding change: c.883G>A on transcript NM_182758.4 (MANE Select); coding-DNA position 883, G replaced by A.
Protein change: p.Ala295Thr; replaces alanine 295 with threonine.
Molecular consequence: missense variant. On other transcripts: non-coding transcript variant (1).
Genome position (GRCh38, 1-based): chr15:53,710,928, C>T on the plus strand (G>A on the coding strand, the complement: WDR72 is on the minus strand). VCF-style: chr15-53710928-C-T. GRCh37 (hg19) VCF-style: chr15-54003125-C-T.
Other names: short protein forms A295T.
Identifiers: ClinVar variation 4813876 (VCV004813876.1).

ClinVar aggregate classification (germline): Likely pathogenic (1 of 4 stars; one submission).

Conditions:
Amelogenesis imperfecta hypomaturation type 2A3. Also called: Amelogenesis imperfecta, type IIA3. Identifiers: Orphanet 88661, MedGen C2750771, MONDO:0013181, OMIM 613211. Disease mechanism: loss of function.

Submission:

Leeds Amelogenesis Imperfecta Research Group, University of Leeds
Classification: Likely pathogenic for Amelogenesis imperfecta hypomaturation type 2A3. Last evaluated: 2026-03-18. Review status: criteria provided, single submitter. Criteria: ACMG Guidelines, 2015. Collection method: research. Allele origin: biparental. Inheritance: Autosomal recessive inheritance. Affected: yes. Observed: 1 variant allele, 1 homozygote. Segregation with disease observed.
Comment: The NM _182758.4: c.883G>A, p.(Ala295Thr) variant in WDR72 is part of a complex allele with c.1048G>A, p.(Thr350Ala) appearing in cis. Variants in WDR72 have been previously identified in individuals with amelogenesis imperfecta. This variant is not listed in ClinVar. This variant is present in gnomAD with an allele frequency of 0.0000006197 (PM2), but is extremely rare and has been identified only in 1 individual in total as a heterozygous variant (v.4.1.0). CADD (v1.7) analysis showed this variant to have a score of 14.75 (20 indicates that the variant is in the top 1% of most deleterious variants of the genome, 30 indicates that it is in the top 0.1%), however in silico predictions do not unanimously regard this variant as pathogenic (BP4). Aggregated score on Franklin shows this variant’s score to be likely pathogenic. The family and the variant have been reported by Hany et al. 2025: PMID:40741335. In summary, this variant meets criteria to be classified as likely pathogenic for amelogenesis imperfecta based on the ACMG/AMP criteria applied, as specified: PP1, PP4, PM3, PM2, BP4.

Literature cited by the submitters: PubMed 40741335.